The following is an entry in ClinVar:

ClinVar aggregate classification (germline): Benign/Likely benign. Review status: criteria provided, multiple submitters, no conflicts (2 of 4 stars). 11 submissions from 11 submitters: Benign (2); Likely benign (8). 1 of the submissions does not count toward it. Last evaluated 2026-07-01.

Conditions:
AARS1-related disorder. Also called: AARS1-related condition.
Inborn genetic diseases. Identifiers: MedGen C0950123, MeSH D030342.
Charcot-Marie-Tooth disease type 2. Also called: Charcot-Marie-Tooth type 2. Identifiers: Orphanet 64746, MedGen C0270914, MONDO:0018993.
Charcot-Marie-Tooth disease axonal type 2N (CMT2N). Also called: CHARCOT-MARIE-TOOTH DISEASE, AXONAL, AUTOSOMAL DOMINANT, TYPE 2N; CHARCOT-MARIE-TOOTH NEUROPATHY, AXONAL, TYPE 2N; Charcot-Marie-Tooth Neuropathy Type 2N. Identifiers: Orphanet 228174, MedGen C2750090, MONDO:0013212, OMIM 613287.
Leukoencephalopathy, hereditary diffuse, with spheroids 2 (HDLS2). Also called: LEUKOENCEPHALOPATHY, HEREDITARY DIFFUSE, WITH SPHEROIDS, SWEDISH TYPE. Identifiers: MedGen C5562044, MONDO:0030634, OMIM 619661.
Trichothiodystrophy 8, nonphotosensitive. Identifiers: MedGen C5562057, MONDO:0030517, OMIM 619691.
Developmental and epileptic encephalopathy, 29 (DEE29). Also called: Epileptic encephalopathy, early infantile, 29. Identifiers: Orphanet 442835, MedGen C4225361, MONDO:0014593, OMIM 616339.

Allele frequency attached by ClinVar (database versions not stated): ESP Exome Variant Server 0.00123; gnomAD 0.00137 and 0.00147; gnomAD exomes 0.00158 and 0.00174; ExAC 0.00178; TOPMed 0.00178; 1000 Genomes Project 0.00200; 1000 Genomes Project 30x 0.00203.
gnomAD v4.1: 2,557 of 1,614,158 alleles (0.16%); highest among the groups gnomAD compares: Middle Eastern, 0.86%; 6 homozygotes.

Submissions (11):

CeGaT Center for Human Genetics Tuebingen
Classification: Likely benign. Last evaluated: 2026-07-01. Review status: criteria provided, single submitter. Criteria: CeGaT Center For Human Genetics Tuebingen Variant Classification Criteria Version 2. Collection method: clinical testing. Allele origin: germline. Affected: yes. Observed: 43 variant alleles.
Comment: AARS1: BS2

Labcorp Genetics (formerly Invitae), Labcorp
Classification: Likely benign for Charcot-Marie-Tooth disease type 2. Last evaluated: 2026-02-02. Review status: criteria provided, single submitter. Criteria: Invitae Variant Classification Sherloc (09022015). Collection method: clinical testing. Allele origin: germline.

ARUP Laboratories, Molecular Genetics and Genomics, ARUP Laboratories
Classification: Likely benign. Last evaluated: 2025-01-23. Review status: criteria provided, single submitter. Criteria: ARUP Molecular Germline Variant Investigation Process 2024. Collection method: clinical testing. Allele origin: germline.

Blueprint Genetics
Classification: Likely benign. Last evaluated: 2024-11-26. Review status: criteria provided, single submitter. Criteria: ACMG Guidelines, 2015. Collection method: clinical testing. Allele origin: germline.

Mayo Clinic Laboratories, Mayo Clinic
Classification: Benign. Last evaluated: 2024-05-07. Review status: criteria provided, single submitter. Criteria: ACMG Guidelines, 2015. Collection method: clinical testing. Allele origin: germline. Observed: 11 variant alleles.
Comment: BS1, BS2, BP6

Fulgent Genetics
Classification: Likely benign for Charcot-Marie-Tooth disease axonal type 2N; Developmental and epileptic encephalopathy, 29; Leukoencephalopathy, hereditary diffuse, with spheroids 2; Trichothiodystrophy 8, nonphotosensitive. Last evaluated: 2022-04-05. Review status: criteria provided, single submitter. Criteria: ACMG Guidelines, 2015. Collection method: clinical testing. Allele origin: unknown.

GeneDx
Classification: Likely benign. Last evaluated: 2021-02-04. Review status: criteria provided, single submitter. Criteria: GeneDx Variant Classification Process June 2021. Collection method: clinical testing. Allele origin: germline. Affected: yes.
Comment: This variant is associated with the following publications: (PMID: 28602422, 27582484)

Ambry Genetics
Classification: Likely benign for Inborn genetic diseases. Last evaluated: 2020-06-23. Review status: criteria provided, single submitter. Criteria: Ambry Variant Classification Scheme 2023. Collection method: clinical testing. Allele origin: germline.

Illumina Laboratory Services, Illumina
Classification: Benign for Charcot-Marie-Tooth disease axonal type 2N. Last evaluated: 2018-01-13. Review status: criteria provided, single submitter. Criteria: ICSL Variant Classification Criteria 13 December 2019. Collection method: clinical testing. Allele origin: germline.
Comment: This variant was observed in the ICSL laboratory as part of a predisposition screen in an ostensibly healthy population. It had not been previously curated by ICSL or reported in the Human Gene Mutation Database (HGMD: prior to June 1st, 2018), and was therefore a candidate for classification through an automated scoring system. Utilizing variant allele frequency, disease prevalence and penetrance estimates, and inheritance mode, an automated score was calculated to assess if this variant is too frequent to cause the disease. Based on the score and internal cut-off values, a variant classified as benign is not then subjected to further curation. The score for this variant resulted in a classification of benign for this disease.

Breakthrough Genomics
Classification: Likely benign. Review status: criteria provided, single submitter. Criteria: ACMG Guidelines, 2015. Collection method: not provided. Allele origin: germline. Inheritance: Autosomal recessive inheritance. Affected: yes.

PreventionGenetics, part of Exact Sciences
Classification: Likely benign for AARS1-related condition. Last evaluated: 2019-03-22. Review status: no assertion criteria provided. Collection method: clinical testing. Allele origin: germline. Not counted in ClinVar's aggregate classification.
Comment: This variant is classified as likely benign based on ACMG/AMP sequence variant interpretation guidelines (Richards et al. 2015 PMID: 25741868, with internal and published modifications).

NM_001605.3(AARS1):c.700C>T (p.Pro234Ser)

Gene: AARS1 (alanyl-tRNA synthetase 1; minus strand). Cytogenetic location: 16q22.1.
Variant type: single nucleotide variant.
Coding change: c.700C>T on transcript NM_001605.3 (MANE Select); coding-DNA position 700, C replaced by T.
Protein change: p.Pro234Ser; replaces proline 234 with serine.
Molecular consequence: missense variant.
Genome position (GRCh38, 1-based): chr16:70,270,312, G>A on the plus strand (C>T on the coding strand, the complement: AARS1 is on the minus strand). VCF-style: chr16-70270312-G-A. GRCh37 (hg19) VCF-style: chr16-70304215-G-A.
Other names: p.Pro234Ser; short protein forms P234S.
Identifiers: ClinVar variation 216549 (VCV000216549.64), dbSNP rs141840552, ClinGen allele CA339337.
Genomic context (GRCh38, chr16:70,270,312, plus strand): 5'-TATTCTGCAGCACAGATACCAGTCGTTCCAGGCCCATCCCTGTGTCAATGCTTTTCTTGG[G>A]AAGAGGTTTCAGAATGCCATCAGCTTCCCTGTATGATCCAGAAGAAGAGGAGGTTGAAGC-3'
Protein context (NP_001596.2, residues 224-244): READGILKPL[Pro234Ser]KKSIDTGMGL